The following is an entry in ClinVar:

ClinVar aggregate classification (germline): Likely benign. Review status: criteria provided, single submitter (1 of 4 stars). 2 submissions from 2 submitters: Likely benign (1). 1 of the submissions does not count toward it. Last evaluated 2025-09-17.

Conditions:
ERCC6-related disorder. Also called: ERCC6-related condition; ERCC6-related disorders. Identifiers: MedGen CN239385.

Allele frequency attached by ClinVar (database versions not stated): gnomAD exomes below 0.00001 and 0.00001; gnomAD 0.00001; TOPMed 0.00002.
gnomAD v4.1: 9 of 1,614,088 alleles (0.00056%); highest among the groups gnomAD compares: Middle Eastern, 0.049%; no homozygotes.

Submissions (2):

Labcorp Genetics (formerly Invitae), Labcorp
Classification: Likely benign. Last evaluated: 2025-09-17. Review status: criteria provided, single submitter. Criteria: Invitae Variant Classification Sherloc (09022015). Collection method: clinical testing. Allele origin: germline.

PreventionGenetics, part of Exact Sciences
Classification: Likely benign for ERCC6-related condition. Last evaluated: 2019-08-14. Review status: no assertion criteria provided. Collection method: clinical testing. Allele origin: germline. Not counted in ClinVar's aggregate classification.
Comment: This variant is classified as likely benign based on ACMG/AMP sequence variant interpretation guidelines (Richards et al. 2015 PMID: 25741868, with internal and published modifications).

NM_000124.4(ERCC6):c.3108A>G (p.Leu1036=)

Gene: ERCC6 (ERCC excision repair 6, chromatin remodeling factor; minus strand). Cytogenetic location: 10q11.23.
Variant type: single nucleotide variant.
Coding change: c.3108A>G on transcript NM_000124.4 (MANE Select); coding-DNA position 3108, A replaced by G.
Protein change: p.Leu1036=; no amino-acid change (leucine 1036 retained).
Molecular consequence: synonymous variant.
Genome position (GRCh38, 1-based): chr10:49,470,852, T>C on the plus strand (A>G on the coding strand, the complement: ERCC6 is on the minus strand). VCF-style: chr10-49470852-T-C. GRCh37 (hg19) VCF-style: chr10-50678898-T-C.
Other names: c.3108A>G, p.Leu1036= (NM_001346440.2).
Identifiers: ClinVar variation 722463 (VCV000722463.12), dbSNP rs988596074, ClinGen allele CA206584947.
Genomic context (GRCh38, chr10:49,470,852, plus strand): 5'-GAACTTCTTGCGTTTTGGAACATCATGGTCTGCTCCAAAGGCTGGTTGAATCCTTCTTTT[T>C]AGATGGCATTTGGGTGTCTGAACATCTGATCCAGTTCCTGTAAAGAGGAAAAACACCACT-3'
Protein context (NP_000115.1, residues 1026-1046): GSDVQTPKCH[Leu1036=]KRRIQPAFGA